The following is an entry in ClinVar:

ClinVar aggregate classification (germline): Uncertain significance (1 of 4 stars; one submission).

Conditions:
Susceptibility to HIV infection. Also called: HUMAN IMMUNODEFICIENCY VIRUS TYPE 1, RESISTANCE TO; Human immunodeficiency virus type 1, susceptibility to; HIV-1, SUSCEPTIBILITY TO. Identifiers: MedGen C1836230, MONDO:0004951, OMIM 609423.

Submission:

Centro de Genética y Biología Molecular, Universidad de San Martín de Porres
Classification: Uncertain significance for Susceptibility to HIV infection. Last evaluated: 2025-01-20. Review status: criteria provided, single submitter. Criteria: ACMG Guidelines, 2015. Collection method: research. Allele origin: germline. Affected: no. Observed: 1 heterozygote.
Comment: The NM_006267.5:c.6110C>T (p.Ser2037Leu) variant in the RANBP2 gene is a missense change located within a functionally important domain of the protein (PM1), specifically the leucine-rich domain, which is conserved and potentially involved in nucleocytoplasmic transport. It is absent from population databases, including gnomAD, 1000 Genomes, and ExAC (PM2). No functional studies or segregation data are currently available to support pathogenicity or benign impact. Based on current evidence and internal classification tools (Franklin by Genoox), this variant meets criteria to be classified as a Variant of Uncertain Significance (VUS) according to ACMG/AMP criteria: PM1 and PM2. Further studies are needed to clarify its clinical significance.

NM_006267.5(RANBP2):c.6110C>T (p.Ser2037Leu)

Gene: RANBP2 (RAN binding protein 2; plus strand). Cytogenetic location: 2q13.
Variant type: single nucleotide variant.
Coding change: c.6110C>T on transcript NM_006267.5 (MANE Select); coding-DNA position 6110, C replaced by T.
Protein change: p.Ser2037Leu; replaces serine 2037 with leucine.
Molecular consequence: missense variant.
Genome position (GRCh38, 1-based): chr2:108,766,649, C>T. VCF-style: chr2-108766649-C-T. GRCh37 (hg19) VCF-style: chr2-109383105-C-T.
Other names: c.6110C>T, p.Ser2037Leu (NM_001415871.1, NM_001415873.1); c.6107C>T, p.Ser2036Leu (NM_001415872.1); short protein forms S2036L, S2037L.
Identifiers: ClinVar variation 4056090 (VCV004056090.1).